The following is an entry in ClinVar:

NM_001283009.2(RTEL1):c.3658C>A (p.Pro1220Thr)

Genes: RTEL1 (regulator of telomere elongation helicase 1; plus strand), RTEL1-TNFRSF6B (RTEL1-TNFRSF6B readthrough (NMD candidate); plus strand). Cytogenetic location: 20q13.33.
Variant type: single nucleotide variant.
Coding change: c.3658C>A on transcript NM_001283009.2 (MANE Select); coding-DNA position 3658, C replaced by A.
Protein change: p.Pro1220Thr; replaces proline 1220 with threonine.
Molecular consequence: missense variant. On other transcripts: non-coding transcript variant (1), intron variant (3).
Genome position (GRCh38, 1-based): chr20:63,695,486, C>A. VCF-style: chr20-63695486-C-A. GRCh37 (hg19) VCF-style: chr20-62326839-C-A.
Other names: c.2983+6C>A (NM_001283010.1); c.3724+6C>A (NM_032957.5); c.3652+6C>A (NM_016434.4); short protein forms P1220T.
Identifiers: ClinVar variation 4863573 (VCV004863573.1).

ClinVar aggregate classification (germline): Uncertain significance (1 of 4 stars; one submission).

Conditions:
Inborn genetic diseases. Identifiers: MedGen C0950123, MeSH D030342.

Submission:

Ambry Genetics
Classification: Uncertain significance for Inborn genetic diseases. Last evaluated: 2026-04-25. Review status: criteria provided, single submitter. Criteria: Ambry Variant Classification Scheme 2023. Collection method: clinical testing. Allele origin: germline.
Comment: The p.P1220T variant (also known as c.3658C>A), located in coding exon 33 of the RTEL1 gene, results from a C to A substitution at nucleotide position 3658. The proline at codon 1220 is replaced by threonine, an amino acid with highly similar properties. This amino acid position is conserved. In addition, this alteration is predicted to be tolerated by in silico analysis. Based on the available evidence, the clinical significance of this variant remains unclear.